The following is an entry in ClinVar:

ClinVar aggregate classification (germline): Pathogenic. Review status: reviewed by expert panel (3 of 4 stars). 2 submissions from 2 submitters: Pathogenic (1). 1 of the submissions does not count toward it. Last evaluated 2023-12-30.

Conditions:
Phenylketonuria (PKU). Also called: Phenylketonurias; FOLLING DISEASE; OLIGOPHRENIA PHENYLPYRUVICA; Phenylketonuria (PKU). Identifiers: Orphanet 716, MedGen C0031485, MONDO:0009861, OMIM 261600. Disease mechanism: loss of function.

Submissions (2):

ClinGen PAH Variant Curation Expert Panel
Classification: Pathogenic for Phenylketonuria. Last evaluated: 2023-12-30. Review status: reviewed by expert panel. Criteria: ClinGen PAH ACMG Specifications v1. Collection method: curation. Allele origin: germline. Inheritance: Autosomal recessive inheritance.
Comment: The NM_000277.3:c.971T>A (p.Ile324Asn) variant is a missense variant in exon 10 of 13 of PAH. It has been previously reported in at least 12 patients with PKU and BH4 deficiency formally excluded, including in confirmed trans with Pathogenic or Likely Pathogenic variants (PM3_VeryStrong (7.5 points total); PP4_Moderate). BH4 deficiency was excluded by analysis of urinary pterins and dihydropteridine reductase activity in erythrocytes). It has been noted in a patient with PKU in presumed trans with p.T418P variant (Pathogenic by ClinGen PAH VCEP) (plasma Phe levels not noted; BH4 deficiency excluded by sequencing of genes in the BH4 cofactor metabolism pathway) (PMID: 29731766); The variant is absent from ethnically diverse control databases, including gnomAD/ExAC, 1000 Genomes, and ESP (PM2_supporting). The variant is predicted damaging by multiple in-silico missense predictors, including REVEL (REVEL score 0.889) (PP3). Classification: Pathogenic Supporting Criteria: PM3_VeryStrong; PM2_supporting; PP4_Moderate; PP3

Natera, Inc.
Classification: Pathogenic for Phenylketonuria. Last evaluated: 2025-05-22. Review status: criteria provided, single submitter. Criteria: Natera Variant Classification Schema (03/2026). Collection method: clinical testing. Allele origin: germline. Not counted in ClinVar's aggregate classification.
Comment: The c.971T>A variant in PAH is a missense variant predicted to cause substitution of isoleucine to asparagine at amino acid 324. This variant is rare in the general population with a frequency below the threshold expected for the associated phenotype(s). This variant has been observed in one or more individuals affected with the associated recessive disease, as either homozygous or compound heterozygous with a second variant (PMID: 30050108). Computational prediction algorithms indicate this variant is likely to affect gene or protein function. Given the available evidence, this variant is classified as Pathogenic.

Literature cited by the submitters: PubMed 24705691 (cited by ClinGen PAH Variant Curation Expert Panel); PubMed 26322415 (cited by ClinGen PAH Variant Curation Expert Panel); PubMed 24327145 (cited by ClinGen PAH Variant Curation Expert Panel); PubMed 30050108 (cited by Natera, Inc.).

NM_000277.3(PAH):c.971T>A (p.Ile324Asn)

Gene: PAH (phenylalanine hydroxylase; minus strand). Cytogenetic location: 12q23.2.
Variant type: single nucleotide variant.
Coding change: c.971T>A on transcript NM_000277.3 (MANE Select); coding-DNA position 971, T replaced by A.
Protein change: p.Ile324Asn; replaces isoleucine 324 with asparagine.
Molecular consequence: missense variant.
Genome position (GRCh38, 1-based): chr12:102,844,430, A>T on the plus strand (T>A on the coding strand, the complement: PAH is on the minus strand). VCF-style: chr12-102844430-A-T. GRCh37 (hg19) VCF-style: chr12-103238208-A-T.
Other names: NM_000277.1:c.971T>A; c.971T>A, p.Ile324Asn (NM_001354304.2); c.971T>A (NM_000277.2); short protein forms I324N.
Identifiers: ClinVar variation 2682170 (VCV002682170.4), dbSNP rs2499615233, ClinGen allele CA10602335.